The following is an entry in ClinVar:

ClinVar aggregate classification (germline): Uncertain significance (1 of 4 stars; one submission).

Conditions:
Hypertrophic cardiomyopathy. Also called: HYPERTROPHIC MYOCARDIOPATHY. Identifiers: Orphanet 217569, MedGen C0007194, MeSH D002312, MONDO:0005045, HP:0001639.

gnomAD v4.1: 8 of 1,605,080 alleles (0.0005%); highest among the groups gnomAD compares: Admixed American, 0.0017%; no homozygotes.

Submission:

Labcorp Genetics (formerly Invitae), Labcorp
Classification: Uncertain significance for Hypertrophic cardiomyopathy. Last evaluated: 2024-07-25. Review status: criteria provided, single submitter. Criteria: Invitae Variant Classification Sherloc (09022015). Collection method: clinical testing. Allele origin: germline.
Comment: This sequence change replaces valine, which is neutral and non-polar, with methionine, which is neutral and non-polar, at codon 1390 of the MYOM1 protein (p.Val1390Met). This variant is present in population databases (rs769264644, gnomAD 0.002%). This variant has not been reported in the literature in individuals affected with MYOM1-related conditions. Advanced modeling of protein sequence and biophysical properties (such as structural, functional, and spatial information, amino acid conservation, physicochemical variation, residue mobility, and thermodynamic stability) performed at Invitae indicates that this missense variant is not expected to disrupt MYOM1 protein function with a negative predictive value of 80%. In summary, the available evidence is currently insufficient to determine the role of this variant in disease. Therefore, it has been classified as a Variant of Uncertain Significance.

NM_003803.4(MYOM1):c.4168G>A (p.Val1390Met)

Gene: MYOM1 (myomesin 1; minus strand). Cytogenetic location: 18p11.31.
Variant type: single nucleotide variant.
Coding change: c.4168G>A on transcript NM_003803.4 (MANE Select); coding-DNA position 4168, G replaced by A.
Protein change: p.Val1390Met; replaces valine 1390 with methionine.
Molecular consequence: missense variant.
Genome position (GRCh38, 1-based): chr18:3,086,121, C>T on the plus strand (G>A on the coding strand, the complement: MYOM1 is on the minus strand). VCF-style: chr18-3086121-C-T. GRCh37 (hg19) VCF-style: chr18-3086119-C-T.
Other names: c.3880G>A, p.Val1294Met (NM_019856.2); short protein forms V1294M, V1390M.
Identifiers: ClinVar variation 3617422 (VCV003617422.2).